The following is an entry in ClinVar:

NM_000441.2(SLC26A4):c.1289_1290del (p.Ile430fs)

Gene: SLC26A4 (solute carrier family 26 member 4; plus strand). Cytogenetic location: 7q22.3.
Variant type: Deletion.
Coding change: c.1289_1290del on transcript NM_000441.2 (MANE Select); coding-DNA positions 1289 to 1290, 2 bases deleted (TT; older notation c.1289_1290delTT).
Protein change: p.Ile430fs; shifts the reading frame from isoleucine 430.
Molecular consequence: frameshift variant.
Genome position (GRCh38, 1-based): chr7:107,694,428-107,694,429, TT deleted. VCF-style (leftmost placement, unchanged base first): chr7-107694427-ATT-A. GRCh37 (hg19) VCF-style: chr7-107334872-ATT-A.
Other names: short protein forms I430fs.
Identifiers: ClinVar variation 3724844 (VCV003724844.2).

ClinVar aggregate classification (germline): Pathogenic (1 of 4 stars; one submission).

Submission:

Labcorp Genetics (formerly Invitae), Labcorp
Classification: Pathogenic. Last evaluated: 2024-11-12. Review status: criteria provided, single submitter. Criteria: Invitae Variant Classification Sherloc (09022015). Collection method: clinical testing. Allele origin: germline.
Comment: This sequence change creates a premature translational stop signal (p.Ile430Serfs*37) in the SLC26A4 gene. It is expected to result in an absent or disrupted protein product. Loss-of-function variants in SLC26A4 are known to be pathogenic (PMID: 16283880, 25394566, 26252218, 26445815). This variant is not present in population databases (gnomAD no frequency). This variant has not been reported in the literature in individuals affected with SLC26A4-related conditions. For these reasons, this variant has been classified as Pathogenic.

Literature cited by the submitters: PubMed 16283880; PubMed 25394566; PubMed 26252218; PubMed 26445815.